The following is an entry in ClinVar:

NM_201384.3(PLEC):c.11351A>T (p.Gln3784Leu)

Gene: PLEC (plectin; minus strand). Cytogenetic location: 8q24.3.
Variant type: single nucleotide variant.
Coding change: c.11351A>T on transcript NM_201384.3 (MANE Select); coding-DNA position 11351, A replaced by T.
Protein change: p.Gln3784Leu; replaces glutamine 3784 with leucine.
Molecular consequence: missense variant.
Genome position (GRCh38, 1-based): chr8:143,918,470, T>A on the plus strand (A>T on the coding strand, the complement: PLEC is on the minus strand). VCF-style: chr8-143918470-T-A. GRCh37 (hg19) VCF-style: chr8-144992638-T-A.
Other names: c.11432A>T (NM_000445.3); c.11432A>T, p.Gln3811Leu (NM_000445.5); c.11309A>T, p.Gln3770Leu (NM_201378.4); c.11285A>T, p.Gln3762Leu (NM_201379.3); c.11762A>T, p.Gln3921Leu (NM_201380.4); c.11255A>T, p.Gln3752Leu (NM_201381.3); c.11351A>T, p.Gln3784Leu (NM_201382.4); c.11363A>T, p.Gln3788Leu (NM_201383.3); short protein forms Q3762L, Q3811L, Q3921L, Q3788L, Q3752L, Q3770L, Q3784L.
Identifiers: ClinVar variation 842727 (VCV000842727.16), dbSNP rs372123082, ClinGen allele CA4924370.

ClinVar aggregate classification (germline): Uncertain significance. Review status: criteria provided, multiple submitters, no conflicts (2 of 4 stars). 5 submissions from 5 submitters: Uncertain significance (5). Last evaluated 2026-03-24.

Conditions:
PLEC-related disorder. Also called: PLEC-related condition; PLEC-related disorders.
Autosomal recessive limb-girdle muscular dystrophy type 2Q (LGMDR17). Also called: MUSCULAR DYSTROPHY, LIMB-GIRDLE, AUTOSOMAL RECESSIVE 17. Identifiers: Orphanet 254361, MedGen C3150989, MONDO:0013390, OMIM 613723.
Junctional epidermolysis bullosa with pyloric atresia. Also called: APLASIA CUTIS CONGENITA WITH GASTROINTESTINAL ATRESIA; CARMI SYNDROME; EB-PA-ACC; ITGB4-Related Epidermolysis Bullosa with Pyloric Atresia; EPIDERMOLYSIS BULLOSA, JUNCTIONAL 5B, WITH PYLORIC ATRESIA; Epidermolysis bullosa, junctional, with pyloric atresia and aplasia cutis congenita. Identifiers: Orphanet 79403, MedGen C5676875, MONDO:0009183, OMIM 226730.
Epidermolysis bullosa simplex, Ogna type (EBS5A). Also called: Pidermolysis bullosa simplex 5A, Ogna type; EPIDERMOLYSIS BULLOSA SIMPLEX 5A, OGNA TYPE. Identifiers: Orphanet 79401, MedGen C0432317, MONDO:0007555, OMIM 131950.
Epidermolysis bullosa simplex with nail dystrophy (EBS5D). Identifiers: MedGen C4225309, MONDO:0014661, OMIM 616487.
Epidermolysis bullosa simplex 5C, with pyloric atresia (EBS5C). Also called: PLEC-Related Epidermolysis Bullosa with Pyloric Atresia; Epidermolysis bullosa simplex with pyloric atresia; PLEC1-Related Epidermolysis Bullosa with Pyloric Atresia. Identifiers: Orphanet 158684, MedGen C2677349, MONDO:0012807, OMIM 612138.
Epidermolysis bullosa simplex 5B, with muscular dystrophy (EBS5B). Also called: EPIDERMOLYSIS BULLOSA SIMPLEX AND LIMB-GIRDLE MUSCULAR DYSTROPHY; Epidermolysis bullosa simplex with muscular dystrophy. Identifiers: Orphanet 257, MedGen C2931072, MONDO:0009181, OMIM 226670.

Allele frequency attached by ClinVar (database versions not stated): TOPMed 0.00010; ESP Exome Variant Server 0.00016; gnomAD 0.00017 and 0.00019.
gnomAD v4.1: 202 of 1,593,532 alleles (0.013%); highest among the groups gnomAD compares: African/African-American, 0.012%; no homozygotes.

Submissions (7):

Women's Health and Genetics/Laboratory Corporation of America, LabCorp
Classification: Uncertain significance. Last evaluated: 2026-03-24. Review status: criteria provided, single submitter. Criteria: LabCorp Variant Classification Summary - May 2015. Collection method: clinical testing. Allele origin: germline.
Comment: Variant summary: PLEC c.11432A>T (p.Gln3811Leu) results in a non-conservative amino acid change in the encoded protein sequence. Algorithms developed to predict the effect of missense changes on protein structure and function all suggest that this variant is likely to be disruptive. The variant allele was found at a frequency of 0.00013 in 211538 control chromosomes. This frequency is not significantly higher than estimated for disease-causing variants in PLEC, allowing no conclusion about variant significance. To our knowledge, no occurrence of c.11432A>T in individuals affected with PLEC-related conditions and no experimental evidence demonstrating its impact on protein function have been reported. ClinVar contains an entry for this variant (Variation ID: 842727). Based on the evidence outlined above, the variant was classified as uncertain significance.

PreventionGenetics, part of Exact Sciences
Classification: Uncertain significance for PLEC-related condition. Last evaluated: 2026-02-20. Review status: criteria provided, single submitter. Criteria: ACMG Guidelines, 2015. Collection method: clinical testing. Allele origin: germline.
Comment: The PLEC c.11432A>T variant is predicted to result in the amino acid substitution p.Gln3811Leu. To our knowledge, this variant has not been reported in the literature. This variant is reported in 0.12% of alleles in individuals of European (Finnish) descent in gnomAD. Although we suspect that this variant may be benign, at this time, the clinical significance of this variant is uncertain due to the absence of conclusive functional and genetic evidence.

Labcorp Genetics (formerly Invitae), Labcorp
Classification: Uncertain significance for Autosomal recessive limb-girdle muscular dystrophy type 2Q; Epidermolysis bullosa simplex, Ogna type; Epidermolysis bullosa simplex with nail dystrophy; Epidermolysis bullosa simplex 5C, with pyloric atresia; Epidermolysis bullosa simplex 5B, with muscular dystrophy. Last evaluated: 2025-12-26. Review status: criteria provided, single submitter. Criteria: Invitae Variant Classification Sherloc (09022015). Collection method: clinical testing. Allele origin: germline.
Comment: This sequence change replaces glutamine, which is neutral and polar, with leucine, which is neutral and non-polar, at codon 3811 of the PLEC protein (p.Gln3811Leu). This variant is present in population databases (rs372123082, gnomAD 0.1%). This variant has not been reported in the literature in individuals affected with PLEC-related conditions. ClinVar contains an entry for this variant (Variation ID: 842727). An algorithm developed to predict the effect of missense changes on protein structure and function (PolyPhen-2) suggests that this variant is likely to be disruptive. In summary, the available evidence is currently insufficient to determine the role of this variant in disease. Therefore, it has been classified as a Variant of Uncertain Significance.

Revvity Omics, Revvity
Classification: Uncertain significance. Last evaluated: 2025-06-18. Review status: criteria provided, single submitter. Criteria: ACMG Guidelines, 2015. Collection method: clinical testing. Allele origin: germline.

Department of Pathology and Laboratory Medicine, Sinai Health System
Classification: Uncertain significance for Epidermolysis bullosa simplex, Ogna type; Epidermolysis bullosa simplex 5B, with muscular dystrophy; Junctional epidermolysis bullosa with pyloric atresia; Epidermolysis bullosa simplex 5C, with pyloric atresia; Autosomal recessive limb-girdle muscular dystrophy type 2Q; Epidermolysis bullosa simplex with nail dystrophy. Last evaluated: 2022-08-25. Review status: criteria provided, single submitter. Criteria: ACMG Guidelines, 2015. Collection method: research. Allele origin: germline.

Dr. Peter K. Rogan Lab, Western University
No classification provided (evidence only). Condition: Thyroid cancer, nonmedullary, 1. Review status: no classification provided. Collection method: in vitro. Allele origin: not applicable. Functional consequence: retained intron. Not counted in ClinVar's aggregate classification.

Dr. Peter K. Rogan Lab, Western University
No classification provided (evidence only). Condition: Uterine carcinosarcoma. Review status: no classification provided. Collection method: in vitro. Allele origin: not applicable. Functional consequence: retained intron. Not counted in ClinVar's aggregate classification.